The following is an entry in ClinVar:

ClinVar aggregate classification (germline): Uncertain significance (1 of 4 stars; one submission).

Conditions:
Adams-Oliver syndrome 5 (AOS5). Identifiers: Orphanet 974, MedGen C4014970, MONDO:0014459, OMIM 616028.

Submission:

Labcorp Genetics (formerly Invitae), Labcorp
Classification: Uncertain significance for Adams-Oliver syndrome 5. Last evaluated: 2022-08-09. Review status: criteria provided, single submitter. Criteria: Invitae Variant Classification Sherloc (09022015). Collection method: clinical testing. Allele origin: germline.
Comment: In summary, the available evidence is currently insufficient to determine the role of this variant in disease. Therefore, it has been classified as a Variant of Uncertain Significance. Advanced modeling of protein sequence and biophysical properties (such as structural, functional, and spatial information, amino acid conservation, physicochemical variation, residue mobility, and thermodynamic stability) performed at Invitae indicates that this missense variant is not expected to disrupt NOTCH1 protein function. ClinVar contains an entry for this variant (Variation ID: 1445290). This variant has not been reported in the literature in individuals affected with NOTCH1-related conditions. This variant is not present in population databases (gnomAD no frequency). This sequence change replaces arginine, which is basic and polar, with serine, which is neutral and polar, at codon 1296 of the NOTCH1 protein (p.Arg1296Ser).

NM_017617.5(NOTCH1):c.3886C>A (p.Arg1296Ser)

Gene: NOTCH1 (notch receptor 1; minus strand). Cytogenetic location: 9q34.3.
Variant type: single nucleotide variant.
Coding change: c.3886C>A on transcript NM_017617.5 (MANE Select); coding-DNA position 3886, C replaced by A.
Protein change: p.Arg1296Ser; replaces arginine 1296 with serine.
Molecular consequence: missense variant.
Genome position (GRCh38, 1-based): chr9:136,506,731, G>T on the plus strand (C>A on the coding strand, the complement: NOTCH1 is on the minus strand). VCF-style: chr9-136506731-G-T. GRCh37 (hg19) VCF-style: chr9-139401183-G-T.
Other names: short protein forms R1296S.
Identifiers: ClinVar variation 1445290 (VCV001445290.6), dbSNP rs1056341092, ClinGen allele CA375548964.